The following is an entry in ClinVar:

ClinVar aggregate classification (germline): Uncertain significance (1 of 4 stars; one submission).

gnomAD v4.1: 2 of 1,609,132 alleles (0.00012%); highest among the groups gnomAD compares: Non-Finnish European, 0.00017%; no homozygotes.

Submission:

Labcorp Genetics (formerly Invitae), Labcorp
Classification: Uncertain significance. Last evaluated: 2022-05-05. Review status: criteria provided, single submitter. Criteria: Invitae Variant Classification Sherloc (09022015). Collection method: clinical testing. Allele origin: germline.
Comment: Algorithms developed to predict the effect of missense changes on protein structure and function (SIFT, PolyPhen-2, Align-GVGD) all suggest that this variant is likely to be tolerated. This variant has not been reported in the literature in individuals affected with IMPG2-related conditions. This variant is not present in population databases (gnomAD no frequency). This sequence change replaces arginine, which is basic and polar, with glycine, which is neutral and non-polar, at codon 390 of the IMPG2 protein (p.Arg390Gly). In summary, the available evidence is currently insufficient to determine the role of this variant in disease. Therefore, it has been classified as a Variant of Uncertain Significance.

NM_016247.4(IMPG2):c.1168C>G (p.Arg390Gly)

Gene: IMPG2 (interphotoreceptor matrix proteoglycan 2; minus strand). Cytogenetic location: 3q12.3.
Variant type: single nucleotide variant.
Coding change: c.1168C>G on transcript NM_016247.4 (MANE Select); coding-DNA position 1168, C replaced by G.
Protein change: p.Arg390Gly; replaces arginine 390 with glycine.
Molecular consequence: missense variant.
Genome position (GRCh38, 1-based): chr3:101,253,767, G>C on the plus strand (C>G on the coding strand, the complement: IMPG2 is on the minus strand). VCF-style: chr3-101253767-G-C. GRCh37 (hg19) VCF-style: chr3-100972611-G-C.
Other names: short protein forms R390G.
Identifiers: ClinVar variation 2134418 (VCV002134418.4), dbSNP rs531354781, ClinGen allele CA353864753.